The following is an entry in ClinVar:

ClinVar aggregate classification (germline): Benign/Likely benign. Review status: criteria provided, multiple submitters, no conflicts (2 of 4 stars). 2 submissions from 2 submitters: Benign (1); Likely benign (1). Last evaluated 2024-03-15.

Conditions:
Familial adenomatous polyposis 1 (FAP1). Also called: POLYPOSIS, ADENOMATOUS INTESTINAL; FAMILIAL ADENOMATOUS POLYPOSIS 1, ATTENUATED. Identifiers: MedGen C2713442, MONDO:0021056, OMIM 175100. Disease mechanism: loss of function.

Allele frequency attached by ClinVar (database versions not stated): gnomAD exomes below 0.00001.
gnomAD v4.1: 1 of 1,614,234 alleles (0.000062%); highest among the groups gnomAD compares: Non-Finnish European, 0.000085%; no homozygotes.

Submissions (2):

Myriad Genetics, Inc.
Classification: Benign for Familial adenomatous polyposis 1. Last evaluated: 2024-03-15. Review status: criteria provided, single submitter. Criteria: Myriad Autosomal Dominant, Autosomal Recessive and X-Linked Classification Criteria (2023). Collection method: clinical testing. Allele origin: unknown.
Comment: This variant is considered benign. This variant is a silent/synonymous amino acid change and it is not expected to impact splicing.

Labcorp Genetics (formerly Invitae), Labcorp
Classification: Likely benign for Familial adenomatous polyposis 1. Last evaluated: 2021-11-23. Review status: criteria provided, single submitter. Criteria: Invitae Variant Classification Sherloc (09022015). Collection method: clinical testing. Allele origin: germline.

NM_000038.6(APC):c.2829A>C (p.Ser943=)

Gene: APC (APC regulator of Wnt signaling pathway; plus strand). Cytogenetic location: 5q22.2.
Variant type: single nucleotide variant.
Coding change: c.2829A>C on transcript NM_000038.6 (MANE Select); coding-DNA position 2829, A replaced by C.
Protein change: p.Ser943=; no amino-acid change (serine 943 retained).
Molecular consequence: synonymous variant.
Genome position (GRCh38, 1-based): chr5:112,838,423, A>C. VCF-style: chr5-112838423-A-C. GRCh37 (hg19) VCF-style: chr5-112174120-A-C.
Other names: c.2829A>C, p.Ser943= (NM_001127510.3, NM_001354895.2); c.2775A>C, p.Ser925= (NM_001127511.3); c.2883A>C, p.Ser961= (NM_001354896.2); c.2859A>C, p.Ser953= (NM_001354897.2); c.2754A>C, p.Ser918= (NM_001354898.2); c.2745A>C, p.Ser915= (NM_001354899.2); c.2706A>C, p.Ser902= (NM_001354900.2); c.2652A>C, p.Ser884= (NM_001354901.2); and 5 more.
Identifiers: ClinVar variation 761817 (VCV000761817.10), dbSNP rs1338601411, ClinGen allele CA445962929.
Genomic context (GRCh38, chr5:112,838,423, plus strand): 5'-AAGAAGCTCTGCTGCCCATACACATTCAAACACTTACAATTTCACTAAGTCGGAAAATTC[A>C]AATAGGACATGTTCTATGCCTTATGCCAAATTAGAATACAAGAGATCTTCAAATGATAGT-3'
Protein context (NP_000029.2, residues 933-953): NTYNFTKSEN[Ser943=]NRTCSMPYAK